The following is an entry in ClinVar:

ClinVar aggregate classification (germline): Uncertain significance (1 of 4 stars; one submission).

Conditions:
Malignant hyperthermia, susceptibility to, 1 (MHS1). Also called: RYR1-Related Malignant Hyperthermia Susceptibility; Malignant hyperthermia suceptibility 1; Anesthesia related hyperthermia; Malignant hyperpyrexia; Fulminating hyperpyrexia; Pharmacogenic myopathy. Identifiers: Orphanet 423, MedGen C2930980, MONDO:0007783, OMIM 145600.

gnomAD v4.1: 2 of 1,613,928 alleles (0.00012%); highest among the groups gnomAD compares: African/African-American, 0.0013%; no homozygotes.

Submission:

Color Diagnostics, LLC DBA Color Health
Classification: Uncertain significance for Malignant hyperthermia, susceptibility to, 1. Last evaluated: 2025-09-01. Review status: criteria provided, single submitter. Criteria: ACMG Guidelines, 2015. Collection method: clinical testing. Allele origin: germline.
Comment: This missense variant replaces threonine with serine at codon 3494 of the RYR1 protein. Computational prediction suggests that this variant may not impact protein structure and function. To our knowledge, functional studies have not been reported for this variant. This variant has not been reported in individuals affected with RYR1-related disorders in the literature. This variant has been identified in 1/251176 chromosomes in the general population by the Genome Aggregation Database (gnomAD). The available evidence is insufficient to determine the role of this variant in disease conclusively. Therefore, this variant is classified as a Variant of Uncertain Significance.

NM_000540.3(RYR1):c.10480A>T (p.Thr3494Ser)

Gene: RYR1 (ryanodine receptor 1; plus strand). Cytogenetic location: 19q13.2.
Variant type: single nucleotide variant.
Coding change: c.10480A>T on transcript NM_000540.3 (MANE Select); coding-DNA position 10480, A replaced by T.
Protein change: p.Thr3494Ser; replaces threonine 3494 with serine.
Molecular consequence: missense variant.
Genome position (GRCh38, 1-based): chr19:38,525,356, A>T. VCF-style: chr19-38525356-A-T. GRCh37 (hg19) VCF-style: chr19-39015996-A-T.
Other names: c.10465A>T, p.Thr3489Ser (NM_001042723.2); short protein forms T3489S, T3494S.
Identifiers: ClinVar variation 4756144 (VCV004756144.1).